The following is an entry in ClinVar:

ClinVar aggregate classification (germline): Uncertain significance. Review status: criteria provided, multiple submitters, no conflicts (2 of 4 stars). 2 submissions from 2 submitters: Uncertain significance (2). Last evaluated 2025-04-02.

Conditions:
Hereditary cancer-predisposing syndrome. Also called: Neoplastic Syndromes, Hereditary; Hereditary Cancer Syndrome; Hereditary neoplastic syndrome; Tumor predisposition. Identifiers: Orphanet 140162, MedGen C0027672, MeSH D009386, MONDO:0015356.
Tuberous sclerosis 2 (TSC2). Identifiers: Orphanet 805, MedGen C1860707, MONDO:0013199, OMIM 613254.

Allele frequency attached by ClinVar (database versions not stated): gnomAD exomes 0.00001.
gnomAD v4.1: 8 of 1,613,022 alleles (0.0005%); highest among the groups gnomAD compares: Non-Finnish European, 0.00068%; no homozygotes.

Submissions (2):

Ambry Genetics
Classification: Uncertain significance for Hereditary cancer-predisposing syndrome. Last evaluated: 2025-04-02. Review status: criteria provided, single submitter. Criteria: Ambry Variant Classification Scheme 2023. Collection method: clinical testing. Allele origin: germline.
Comment: The c.1839+3A>G intronic variant results from an A to G substitution 3 nucleotides after coding exon 16 in the TSC2 gene. This nucleotide position is not well conserved in available vertebrate species. In silico splice site analysis for this alteration is inconclusive. Based on the available evidence, the clinical significance of this variant remains unclear.

Labcorp Genetics (formerly Invitae), Labcorp
Classification: Uncertain significance for Tuberous sclerosis 2. Last evaluated: 2024-10-22. Review status: criteria provided, single submitter. Criteria: Invitae Variant Classification Sherloc (09022015). Collection method: clinical testing. Allele origin: germline.
Comment: This sequence change falls in intron 17 of the TSC2 gene. It does not directly change the encoded amino acid sequence of the TSC2 protein. It affects a nucleotide within the consensus splice site. This variant is not present in population databases (gnomAD no frequency). This variant has not been reported in the literature in individuals affected with TSC2-related conditions. ClinVar contains an entry for this variant (Variation ID: 640397). Variants that disrupt the consensus splice site are a relatively common cause of aberrant splicing (PMID: 17576681, 9536098). Studies have shown that this variant is associated with inconclusive levels of altered splicing (internal data). In summary, the available evidence is currently insufficient to determine the role of this variant in disease. Therefore, it has been classified as a Variant of Uncertain Significance.

Literature cited by the submitters: PubMed 17576681 (cited by Labcorp Genetics (formerly Invitae), Labcorp); PubMed 9536098 (cited by Labcorp Genetics (formerly Invitae), Labcorp).

NM_000548.5(TSC2):c.1839+3A>G

Gene: TSC2 (TSC complex subunit 2; plus strand). Cytogenetic location: 16p13.3.
Variant type: single nucleotide variant.
Coding change: c.1839+3A>G on transcript NM_000548.5 (MANE Select); 3 bases into the intron after coding-DNA position 1839, A replaced by G.
Molecular consequence: intron variant.
Genome position (GRCh38, 1-based): chr16:2,070,581, A>G. VCF-style: chr16-2070581-A-G. GRCh37 (hg19) VCF-style: chr16-2120582-A-G.
Other names: c.1839+3A>G (NM_001114382.3, NM_021055.3, NM_001370405.1 and 3 more transcripts); c.1728+3A>G (NM_001318827.2); c.1239+3A>G (NM_001318831.2); c.1692+3A>G (NM_001318829.2); c.1872+3A>G (NM_001318832.2).
Identifiers: ClinVar variation 640397 (VCV000640397.9), dbSNP rs1596336981, ClinGen allele CA915946247.
Genomic context (GRCh38, chr16:2,070,581, plus strand): 5'-TCAGCTCCACTACAAGCACAGCTACACCCTGCCAATCGCGAGCAGCATCCGGCTGCAGGT[A>G]TGGTGGCTGGGGTTGCGCAGCCAGTTCCTGGGGGCCCAGCCAGGTATCCCCGTCTCGGCA-3'